The following is an entry in ClinVar:

ClinVar aggregate classification (germline): Uncertain significance (1 of 4 stars; one submission).

Conditions:
Neurodevelopmental disorder. Identifiers: MedGen C1535926, MeSH D065886, MONDO:0700092.

Submission:

Victorian Clinical Genetics Services, Murdoch Childrens Research Institute
Classification: Uncertain significance for Neurodevelopmental disorder. Last evaluated: 2020-10-15. Review status: criteria provided, single submitter. Criteria: ACMG Guidelines, 2015. Collection method: clinical testing. Allele origin: germline. Inheritance: Autosomal dominant inheritance. Affected: yes.
Comment: Based on the classification scheme VCGS_Germline_v1.3.3, this variant is classified as 3C-VUS. Following criteria are met: 0105 - The mechanism of disease for this gene is not clearly established. However haploinsufficiency has been suggested (PMID:31999386). (I) 0107 - This gene is associated with autosomal dominant disease (PMID:31999386). (I) 0212 - Non-canonical splice site variant without proven consequence on splicing (no functional evidence available). (SP) 0251 - This variant is heterozygous. (I) 0301 - Variant is absent from gnomAD (both v2 and v3). (SP) 0506 - Abnormal splicing is not predicted and nucleotide is poorly conserved. (SB) 0705 - No comparable non-canonical splice site variants have previous evidence for pathogenicity. (I) 0807 - This variant has no previous evidence of pathogenicity. (I) 0905 - No published segregation evidence has been identified for this variant. (I) 1007 - No published functional evidence has been identified for this variant. (I) 1208 - Inheritance information for this variant is not currently available in this individual. (I) Legend: (SP) - Supporting pathogenic, (I) - Information, (SB) - Supporting benign

Literature cited by the submitters: PubMed 31999386.

NM_013450.4(BAZ2B):c.6210-3T>C

Gene: BAZ2B (bromodomain adjacent to zinc finger domain 2B; minus strand). Cytogenetic location: 2q24.2.
Variant type: single nucleotide variant.
Coding change: c.6210-3T>C on transcript NM_013450.4 (MANE Select); 3 bases into the intron before coding-DNA position 6210, T replaced by C.
Molecular consequence: intron variant.
Genome position (GRCh38, 1-based): chr2:159,324,957, A>G on the plus strand (T>C on the coding strand, the complement: BAZ2B is on the minus strand). VCF-style: chr2-159324957-A-G. GRCh37 (hg19) VCF-style: chr2-160181468-A-G.
Other names: c.6102-3T>C (NM_001289975.1); c.6153-3T>C (NM_001329857.2); c.6135-3T>C (NM_001329858.2).
Identifiers: ClinVar variation 1805486 (VCV001805486.1), dbSNP rs2063241999, ClinGen allele CA1139532801.